The following is an entry in ClinVar:

ClinVar aggregate classification (germline): Likely benign (1 of 4 stars; one submission).

gnomAD v4.1: 10 of 1,613,946 alleles (0.00062%); highest among the groups gnomAD compares: African/African-American, 0.0053%; no homozygotes.

Submission:

CeGaT Center for Human Genetics Tuebingen
Classification: Likely benign. Last evaluated: 2025-10-01. Review status: criteria provided, single submitter. Criteria: CeGaT Center For Human Genetics Tuebingen Variant Classification Criteria Version 2. Collection method: clinical testing. Allele origin: germline. Affected: yes. Observed: 1 variant allele.
Comment: SETX: BP4, BP7

NM_015046.7(SETX):c.5220T>C (p.Tyr1740=)

Gene: SETX (senataxin; minus strand). Cytogenetic location: 9q34.13.
Variant type: single nucleotide variant.
Coding change: c.5220T>C on transcript NM_015046.7 (MANE Select); coding-DNA position 5220, T replaced by C.
Protein change: p.Tyr1740=; no amino-acid change (tyrosine 1740 retained).
Molecular consequence: synonymous variant.
Genome position (GRCh38, 1-based): chr9:132,326,378, A>G on the plus strand (T>C on the coding strand, the complement: SETX is on the minus strand). VCF-style: chr9-132326378-A-G. GRCh37 (hg19) VCF-style: chr9-135201765-A-G.
Other names: c.5220T>C, p.Tyr1740= (NM_001351527.2, NM_001351528.2).
Identifiers: ClinVar variation 4534117 (VCV004534117.6).
Genomic context (GRCh38, chr9:132,326,378, plus strand): 5'-ACTTACTGTTTCAAAAGTATTCAATACCATCAAAGGGAAAAAAACATTAAAATAATCTCC[A>G]TAATTGTGAAATCTGACAGGCACAGGTCTTGAGATGGACTGACAAAGACTTGCAGGGGGC-3'
Protein context (NP_055861.3, residues 1730-1750): SRPVPVRFHN[Tyr1740=]GDYFNVFFPL